The following is an entry in ClinVar:

ClinVar aggregate classification (germline): Benign/Likely benign. Review status: criteria provided, multiple submitters, no conflicts (2 of 4 stars). 2 submissions from 2 submitters: Benign (1); Likely benign (1). Last evaluated 2026-07-01.

Conditions:
TMEM67-related disorder. Also called: TMEM67-related condition; TMEM67-related disorders. Identifiers: MedGen CN239423.

Submissions (3):

PreventionGenetics, part of Exact Sciences
Classification: Likely benign for TMEM67-related condition. Last evaluated: 2026-07-01. Review status: criteria provided, single submitter. Criteria: ACMG Guidelines, 2015. Collection method: clinical testing. Allele origin: germline.
Comment: This variant is classified as likely benign based on ACMG/AMP sequence variant interpretation guidelines (Richards et al. 2015 PMID: 25741868, with internal and published modifications).

Genetic Services Laboratory, University of Chicago
Classification: Benign for AllHighlyPenetrant. Last evaluated: 2013-09-03. Review status: criteria provided, single submitter. Criteria: ACMG Guidelines, 2007. Collection method: clinical testing. Allele origin: germline. Inheritance: Autosomal recessive inheritance. Observed: 28 variant alleles.

Dr. Peter K. Rogan Lab, Western University
No classification provided (evidence only). Condition: Colon adenocarcinoma. Review status: no classification provided. Collection method: in vitro. Allele origin: not applicable. Functional consequence: skipped exon. Not counted in ClinVar's aggregate classification.

NM_153704.6(TMEM67):c.224-4_224-3del

Gene: TMEM67 (transmembrane protein 67; plus strand). Cytogenetic location: 8q22.1.
Variant type: Deletion.
Coding change: c.224-4_224-3del on transcript NM_153704.6 (MANE Select); 4 bases into the intron before coding-DNA position 224 through 3 bases into the intron before coding-DNA position 224, 2 bases deleted (TT; older notation c.224-4_224-3delTT).
Molecular consequence: intron variant.
Genome position (GRCh38, 1-based): chr8:93,755,774-93,755,775, TT deleted; deleting any 2 consecutive bases within chr8:93,755,752-93,755,775 gives the same sequence; the c. name uses the placement nearest the transcript's 3' end. VCF-style (leftmost placement, unchanged base first): chr8-93755751-CTT-C. GRCh37 (hg19) VCF-style: chr8-94767979-CTT-C.
Other names: NC_000008.10:g.94768002_94768003del; c.224-4_224-3delTT (NM_153704.5); c.-62+637_-62+638del (NM_001142301.1).
Identifiers: ClinVar variation 126303 (VCV000126303.10), dbSNP rs587779735, ClinGen allele CA151000.